The following is an entry in ClinVar:

ClinVar aggregate classification (germline): Pathogenic. Review status: criteria provided, multiple submitters, no conflicts (2 of 4 stars). 2 submissions from 2 submitters: Pathogenic (2). Last evaluated 2023-12-21.

Conditions:
Hemolytic uremic syndrome, atypical, susceptibility to, 1. Also called: AHUS, SUSCEPTIBILITY TO, 1. Identifiers: Orphanet 2134, Orphanet 90038, MedGen C2749604, MONDO:0009335, OMIM 235400. Disease mechanism: Other.

Allele frequency attached by ClinVar (database versions not stated): TOPMed below 0.00001.
gnomAD v4.1: 1 of 1,613,844 alleles (0.000062%); highest among the groups gnomAD compares: Non-Finnish European, 0.000085%; no homozygotes.

Submissions (2):

MVZ Medizinische Genetik Mainz
Classification: Pathogenic for Hemolytic uremic syndrome, atypical, susceptibility to, 1. Last evaluated: 2023-12-21. Review status: criteria provided, single submitter. Criteria: UK Practice Guidelines For Variant Classification V4 01 2020. Collection method: clinical testing. Allele origin: germline. Inheritance: Autosomal dominant inheritance. Affected: yes. Observed: 1 variant allele.
Comment: ACMG Criteria: PVS1_STR,PM1_STR,PM2_SUP,PP4

Mayo Clinic Laboratories, Mayo Clinic
Classification: Pathogenic. Last evaluated: 2019-09-16. Review status: criteria provided, single submitter. Criteria: ACMG Guidelines, 2015. Collection method: clinical testing. Allele origin: germline. Observed: 1 variant allele.
Comment: PVS1, PM2, PP3

Literature cited by the submitters: PubMed 27905547 (cited by Mayo Clinic Laboratories, Mayo Clinic).

NM_000186.4(CFH):c.3610G>T (p.Gly1204Ter)

Gene: CFH (complement factor H; plus strand). Cytogenetic location: 1q31.3.
Variant type: single nucleotide variant.
Coding change: c.3610G>T on transcript NM_000186.4 (MANE Select); coding-DNA position 3610, G replaced by T.
Protein change: p.Gly1204Ter; replaces glycine 1204 with a stop codon.
Molecular consequence: nonsense.
Genome position (GRCh38, 1-based): chr1:196,747,227, G>T. VCF-style: chr1-196747227-G-T. GRCh37 (hg19) VCF-style: chr1-196716357-G-T.
Other names: short protein forms G1204*.
Identifiers: ClinVar variation 1163687 (VCV001163687.6), dbSNP rs1653045638, ClinGen allele CA343988034.